The following is an entry in ClinVar:

ClinVar aggregate classification (germline): Uncertain significance (1 of 4 stars; one submission).

Conditions:
Hereditary cancer-predisposing syndrome. Also called: Neoplastic Syndromes, Hereditary; Tumor predisposition; Hereditary Cancer Syndrome; Hereditary neoplastic syndrome. Identifiers: Orphanet 140162, MedGen C0027672, MeSH D009386, MONDO:0015356.

Submission:

Color Diagnostics, LLC DBA Color Health
Classification: Uncertain significance for Hereditary cancer-predisposing syndrome. Last evaluated: 2024-06-18. Review status: criteria provided, single submitter. Criteria: ACMG Guidelines, 2015. Collection method: clinical testing. Allele origin: germline.
Comment: This variant causes an in-frame deletion of one amino acid in exon 3 of the MUTYH protein. To our knowledge, functional studies have not been reported for this variant. This variant has not been reported in individuals affected with MUTYH-related disorders in the literature. This variant has not been identified in the general population by the Genome Aggregation Database (gnomAD). The available evidence is insufficient to determine the role of this variant in disease conclusively. Therefore, this variant is classified as a Variant of Uncertain Significance.

NM_001048174.2(MUTYH):c.250_252del (p.Pro84del)

Gene: MUTYH (mutY DNA glycosylase; minus strand). Cytogenetic location: 1p34.1.
Variant type: Deletion.
Coding change: c.250_252del on transcript NM_001048174.2 (MANE Select); coding-DNA positions 250 to 252, 3 bases deleted (CCA; older notation c.250_252delCCA).
Protein change: p.Pro84del; deletes proline 84.
Molecular consequence: 5 prime UTR variant (on NM_001293192.2). On other transcripts: non-coding transcript variant (7).
Genome position (GRCh38, 1-based): chr1:45,333,425-45,333,427, TGG deleted on the plus strand (CCA on the coding strand, the reverse complement: MUTYH is on the minus strand); deleting any 3 consecutive bases within chr1:45,333,425-45,333,428 gives the same sequence; the c. name uses the placement nearest the transcript's 3' end. VCF-style (leftmost placement, unchanged base first): chr1-45333424-ATGG-A. GRCh37 (hg19) VCF-style: chr1-45799096-ATGG-A.
Other names: c.250_252del, p.Pro84del (NM_001048173.2, NM_001293195.2, NM_001407070.1 and 6 more transcripts); c.334_336del, p.Pro112del (NM_001128425.2); c.295_297del, p.Pro99del (NM_001293190.2); c.283_285del, p.Pro95del (NM_001293191.2, NM_001407077.1); c.-27_-25del (NM_001293192.2, NM_001293196.2, NM_001407091.1); c.-22_-20del (NM_001350650.2, NM_001350651.2, NM_001407082.1); c.325_327del, p.Pro109del (NM_001407069.1, NM_012222.3); c.253_255del, p.Pro85del (NM_001407071.1, NM_001407078.1, NM_001407079.1 and 2 more transcripts); and 3 more; short protein forms P109del, P112del, P56del, P84del, P85del, P91del, P95del, P98del.
Identifiers: ClinVar variation 3893956 (VCV003893956.1).